The following is an entry in ClinVar:

ClinVar aggregate classification (germline): Uncertain significance (1 of 4 stars; one submission).

Conditions:
Inborn genetic diseases. Identifiers: MedGen C0950123, MeSH D030342.

Submission:

Ambry Genetics
Classification: Uncertain significance for Inborn genetic diseases. Last evaluated: 2025-06-16. Review status: criteria provided, single submitter. Criteria: Ambry Variant Classification Scheme 2023. Collection method: clinical testing. Allele origin: germline.
Comment: The p.M310I variant (also known as c.930G>C), located in coding exon 7 of the RUNX1 gene, results from a G to C substitution at nucleotide position 930. The methionine at codon 310 is replaced by isoleucine, an amino acid with highly similar properties. This amino acid position is well conserved in available vertebrate species. In addition, this alteration is predicted to be tolerated by in silico analysis. Based on the available evidence, the clinical significance of this variant remains unclear.

NM_001754.5(RUNX1):c.930G>C (p.Met310Ile)

Gene: RUNX1 (RUNX family transcription factor 1; minus strand). Cytogenetic location: 21q22.12.
Variant type: single nucleotide variant.
Coding change: c.930G>C on transcript NM_001754.5 (MANE Select); coding-DNA position 930, G replaced by C.
Protein change: p.Met310Ile; replaces methionine 310 with isoleucine.
Molecular consequence: missense variant.
Genome position (GRCh38, 1-based): chr21:34,799,338, C>G on the plus strand (G>C on the coding strand, the complement: RUNX1 is on the minus strand). VCF-style: chr21-34799338-C-G. GRCh37 (hg19) VCF-style: chr21-36171635-C-G.
Other names: c.849G>C, p.Met283Ile (NM_001001890.3); short protein forms M283I, M310I.
Identifiers: ClinVar variation 4158171 (VCV004158171.1).
Genomic context (GRCh38, chr21:34,799,338, plus strand): 5'-GAATGTGTTTTCAAGTGGCTTACTTGAGAGTCGACTGGAAAGTTCTGCAGAGAGGGTTGT[C>G]ATGCCGCTGGCACGTCCAGGTGAAATGGGCGTTGCTGGGTGCACAGAAGGAGAGGCAATG-3'
Protein context (NP_001745.2, residues 300-320): TPISPGRASG[Met310Ile]TTLSAELSSR